The following is an entry in ClinVar:

ClinVar aggregate classification (germline): Conflicting classifications of pathogenicity. Review status: criteria provided, conflicting classifications (1 of 4 stars). 7 submissions from 6 submitters: Uncertain significance (5); Benign (1); Likely benign (1). Last evaluated 2025-08-20.

Conditions:
Adams-Oliver syndrome 5 (AOS5). Identifiers: Orphanet 974, MedGen C4014970, MONDO:0014459, OMIM 616028.
Aortic valve disease 1 (AOVD1). Identifiers: MedGen C3887892, MONDO:0024523, OMIM 109730.
Familial thoracic aortic aneurysm and aortic dissection (TAAD). Also called: Thoracic aortic aneurysms and dissections. Identifiers: Orphanet 91387, MedGen C4707243, MONDO:0019625.

Allele frequency attached by ClinVar (database versions not stated): gnomAD 0.00002; TOPMed 0.00003; ExAC 0.00005.
gnomAD v4.1: 41 of 1,587,886 alleles (0.0026%); highest among the groups gnomAD compares: South Asian, 0.01%; no homozygotes.

Submissions (7):

GeneDx
Classification: Uncertain significance. Last evaluated: 2025-08-20. Review status: criteria provided, single submitter. Criteria: GeneDx Variant Classification Process June 2021. Collection method: clinical testing. Allele origin: germline. Affected: yes.
Comment: In silico analysis supports that this missense variant has a deleterious effect on protein structure/function; Has not been previously published as pathogenic or benign to our knowledge

Labcorp Genetics (formerly Invitae), Labcorp
Classification: Benign for Adams-Oliver syndrome 5. Last evaluated: 2025-08-18. Review status: criteria provided, single submitter. Criteria: Invitae Variant Classification Sherloc (09022015). Collection method: clinical testing. Allele origin: germline.

Ambry Genetics
Classification: Uncertain significance for Familial thoracic aortic aneurysm and aortic dissection. Last evaluated: 2025-03-25. Review status: criteria provided, single submitter. Criteria: Ambry Variant Classification Scheme 2023. Collection method: clinical testing. Allele origin: germline.
Comment: The p.S417L variant (also known as c.1250C>T), located in coding exon 7 of the NOTCH1 gene, results from a C to T substitution at nucleotide position 1250. The serine at codon 417 is replaced by leucine, an amino acid with dissimilar properties. This amino acid position is conserved. In addition, the in silico prediction for this alteration is inconclusive. Since supporting evidence is limited at this time, the clinical significance of this alteration remains unclear.

Blueprint Genetics
Classification: Likely benign. Last evaluated: 2024-03-12. Review status: criteria provided, single submitter. Criteria: ACMG Guidelines, 2015. Collection method: clinical testing. Allele origin: germline.

Genome-Nilou Lab
Classification: Uncertain significance for Adams-Oliver syndrome 5. Last evaluated: 2022-03-15. Review status: criteria provided, single submitter. Criteria: ACMG Guidelines, 2015. Collection method: clinical testing. Allele origin: germline. Affected: no.

Genome-Nilou Lab
Classification: Uncertain significance for Aortic valve disease 1. Last evaluated: 2022-03-15. Review status: criteria provided, single submitter. Criteria: ACMG Guidelines, 2015. Collection method: clinical testing. Allele origin: germline. Affected: no.

Center for Genomics, Ann and Robert H. Lurie Children's Hospital of Chicago
Classification: Uncertain significance for Adams-Oliver syndrome 5; Aortic valve disease 1. Review status: criteria provided, single submitter. Criteria: ACMG Guidelines, 2015. Collection method: clinical testing. Allele origin: germline.
Comment: NOTCH1 NM_017617.4 esxon 7 p.Ser417Leu (c.1250C>T): This variant has not been reported in the literature but is present in 0.008% (9/106554) of European alleles in the Genome Aggregation Database. This variant is present in ClinVar (Variation ID:544189). Evolutionary conservation suggests that this variant may not impact the protein, but computational predicitve tools predict a deleterious effect. In summary, data on this variant is insufficient for disease classification. Therefore, the clinical significance of this variant is uncertain.

NM_017617.5(NOTCH1):c.1250C>T (p.Ser417Leu)

Gene: NOTCH1 (notch receptor 1; minus strand). Cytogenetic location: 9q34.3.
Variant type: single nucleotide variant.
Coding change: c.1250C>T on transcript NM_017617.5 (MANE Select); coding-DNA position 1250, C replaced by T.
Protein change: p.Ser417Leu; replaces serine 417 with leucine.
Molecular consequence: missense variant.
Genome position (GRCh38, 1-based): chr9:136,518,142, G>A on the plus strand (C>T on the coding strand, the complement: NOTCH1 is on the minus strand). VCF-style: chr9-136518142-G-A. GRCh37 (hg19) VCF-style: chr9-139412594-G-A.
Other names: c.1250C>T, p.Ser417Leu (LRG_1122t1); short protein forms S417L.
Identifiers: ClinVar variation 544189 (VCV000544189.19), dbSNP rs757631575, ClinGen allele CA5341876.